The following is an entry in ClinVar:

NM_017654.4(SAMD9):c.1655C>T (p.Pro552Leu)

Gene: SAMD9 (sterile alpha motif domain containing 9; minus strand). Cytogenetic location: 7q21.2.
Variant type: single nucleotide variant.
Coding change: c.1655C>T on transcript NM_017654.4 (MANE Select); coding-DNA position 1655, C replaced by T.
Protein change: p.Pro552Leu; replaces proline 552 with leucine.
Molecular consequence: missense variant.
Genome position (GRCh38, 1-based): chr7:93,104,443, G>A on the plus strand (C>T on the coding strand, the complement: SAMD9 is on the minus strand). VCF-style: chr7-93104443-G-A. GRCh37 (hg19) VCF-style: chr7-92733756-G-A.
Other names: c.1655C>T, p.Pro552Leu (NM_001193307.2); short protein forms P552L.
Identifiers: ClinVar variation 3949703 (VCV003949703.1).

ClinVar aggregate classification (germline): Uncertain significance (1 of 4 stars; one submission).

Conditions:
Inborn genetic diseases. Identifiers: MedGen C0950123, MeSH D030342.

Submission:

Ambry Genetics
Classification: Uncertain significance for Inborn genetic diseases. Last evaluated: 2025-06-06. Review status: criteria provided, single submitter. Criteria: Ambry Variant Classification Scheme 2023. Collection method: clinical testing. Allele origin: germline.
Comment: The p.P552L variant (also known as c.1655C>T), located in coding exon 1 of the SAMD9 gene, results from a C to T substitution at nucleotide position 1655. The proline at codon 552 is replaced by leucine, an amino acid with similar properties. This amino acid position is conserved. In addition, this alteration is predicted to be tolerated by in silico analysis. Based on the available evidence, the clinical significance of this variant remains unclear.